The following is an entry in ClinVar:

ClinVar aggregate classification (germline): Conflicting classifications of pathogenicity. Review status: criteria provided, conflicting classifications (1 of 4 stars). 4 submissions from 4 submitters: Uncertain significance (1); Likely benign (1). 2 of the submissions do not count toward it. Last evaluated 2024-01-19.

Conditions:
HSD3B2-related disorder. Also called: HSD3B2-related condition.
3 beta-Hydroxysteroid dehydrogenase deficiency. Also called: Congenital adrenal hyperplasia due to 3-beta-hydroxysteroid dehydrogenase deficiency; 3b-hydroxysteroid dehydrogenase deficiency; 3-BETA-HSD DEFICIENCY; ADRENAL HYPERPLASIA II; ADRENAL HYPERPLASIA, CONGENITAL, DUE TO 3-BETA-HYDROXYSTEROID DEHYDROGENASE 2 DEFICIENCY. Identifiers: Orphanet 90791, MedGen C0342471, MeSH C538236, MONDO:0008727, OMIM 201810. Disease mechanism: loss of function.

Allele frequency attached by ClinVar (database versions not stated): ExAC 0.00002; gnomAD exomes 0.00002 and 0.00003; gnomAD 0.00009 and 0.00011; TOPMed 0.00009; 1000 Genomes Project 30x 0.00094.
gnomAD v4.1: 42 of 1,613,530 alleles (0.0026%); highest among the groups gnomAD compares: African/African-American, 0.023%; no homozygotes.

Submissions (4):

Labcorp Genetics (formerly Invitae), Labcorp
Classification: Likely benign. Last evaluated: 2024-01-19. Review status: criteria provided, single submitter. Criteria: Invitae Variant Classification Sherloc (09022015). Collection method: clinical testing. Allele origin: germline.

Illumina Laboratory Services, Illumina
Classification: Uncertain significance for 3 beta-Hydroxysteroid dehydrogenase deficiency. Last evaluated: 2018-12-21. Review status: criteria provided, single submitter. Criteria: ICSL Variant Classification Criteria 13 December 2019. Collection method: clinical testing. Allele origin: germline.

PreventionGenetics, part of Exact Sciences
Classification: Likely benign for HSD3B2-related condition. Last evaluated: 2023-04-21. Review status: no assertion criteria provided. Collection method: clinical testing. Allele origin: germline. Not counted in ClinVar's aggregate classification.
Comment: This variant is classified as likely benign based on ACMG/AMP sequence variant interpretation guidelines (Richards et al. 2015 PMID: 25741868, with internal and published modifications).

Natera, Inc.
Classification: Likely benign for 3 beta hydroxysteroid dehydrogenase deficiency. Last evaluated: 2020-09-21. Review status: no assertion criteria provided. Collection method: clinical testing. Allele origin: germline. Not counted in ClinVar's aggregate classification.

NM_000198.4(HSD3B2):c.423C>T (p.His141=)

Gene: HSD3B2 (hydroxy-delta-5-steroid dehydrogenase, 3 beta- and steroid delta-isomerase 2; plus strand). Cytogenetic location: 1p12.
Variant type: single nucleotide variant.
Coding change: c.423C>T on transcript NM_000198.4 (MANE Select); coding-DNA position 423, C replaced by T.
Protein change: p.His141=; no amino-acid change (histidine 141 retained).
Molecular consequence: synonymous variant.
Genome position (GRCh38, 1-based): chr1:119,421,924, C>T. VCF-style: chr1-119421924-C-T. GRCh37 (hg19) VCF-style: chr1-119964547-C-T.
Other names: c.423C>T, p.His141= (NM_001166120.2).
Identifiers: ClinVar variation 292259 (VCV000292259.19), dbSNP rs751470493, ClinGen allele CA1035972.